The following is an entry in ClinVar:

NM_002335.4(LRP5):c.512G>T (p.Gly171Val)

Gene: LRP5 (LDL receptor related protein 5; plus strand). Cytogenetic location: 11q13.2.
Variant type: single nucleotide variant.
Coding change: c.512G>T on transcript NM_002335.4 (MANE Select); coding-DNA position 512, G replaced by T.
Protein change: p.Gly171Val; replaces glycine 171 with valine.
Molecular consequence: missense variant. On other transcripts: 5 prime UTR variant (1).
Genome position (GRCh38, 1-based): chr11:68,357,673, G>T. VCF-style: chr11-68357673-G-T. GRCh37 (hg19) VCF-style: chr11-68125141-G-T.
Other names: c.-1254G>T (NM_001291902.2); short protein forms G171V.
Identifiers: ClinVar variation 6280 (VCV000006280.11), dbSNP rs121908668, ClinGen allele CA118095.

ClinVar aggregate classification (germline): Pathogenic. Review status: criteria provided, multiple submitters, no conflicts (2 of 4 stars). 4 submissions from 4 submitters: Pathogenic (3). 1 of the submissions does not count toward it. Last evaluated 2025-05-12.

Conditions:
LRP5-related disorder. Also called: LRP5-related condition.
Disorder of bone. Also called: Rare bone disease related to a common gene or pathway defect; Bone disease; Bone disorder. Identifiers: Orphanet 364803, MedGen C0005940, MONDO:0005381.
High bone mass (HBM). Identifiers: MedGen C1866080.

gnomAD v4.1: 1 of 1,614,122 alleles (0.000062%); no homozygotes.

Submissions (4):

Genome Diagnostics Laboratory, The Hospital for Sick Children
Classification: Pathogenic for Disorder of bone. Last evaluated: 2025-05-12. Review status: criteria provided, single submitter. Criteria: ACMG Guidelines, 2015. Collection method: clinical testing. Allele origin: germline. Affected: yes.
Comment: This variant was observed in individuals with Osteopetrosis (PMID: 11741193; PMID: 12015390; PMID: 12579474). In vitro functional assays in mouse fibroblasts showed normal Wnt signalling, but significantly reduced inhibition by the antagonist, Dkk-1 (PMID: 12015390). Knock-in mice with osteocyte-specific expression of inducible Lrp5 with the p.Gly171Val mutation exhibited increased bone mass, bone strength, and bone formation rates compared to wildtype. Conversely, the loss of LRP5 resulted in reduced bone mass in the mutant mice compared to the wildtype. This variant was not observed in populations of the Genome Aggregation Database (gnomAD). Based on the evidence above, this variant is classified as pathogenic (ACMG criteria - PM2, PS3, PS4m, PP5, PP3).

Blueprint Genetics
Classification: Pathogenic for LRP5-related disorders. Last evaluated: 2024-06-26. Review status: criteria provided, single submitter. Criteria: ACMG Guidelines, 2015. Collection method: clinical testing. Allele origin: germline. Affected: yes. Observed: 3 variant alleles.

Labcorp Genetics (formerly Invitae), Labcorp
Classification: Pathogenic. Last evaluated: 2023-04-11. Review status: criteria provided, single submitter. Criteria: Invitae Variant Classification Sherloc (09022015). Collection method: clinical testing. Allele origin: germline.
Comment: This sequence change replaces glycine, which is neutral and non-polar, with valine, which is neutral and non-polar, at codon 171 of the LRP5 protein (p.Gly171Val). This variant is not present in population databases (gnomAD no frequency). This missense change has been observed in individual(s) with autosomal dominant high bone mass syndromes (PMID: 11741193, 12015390). It has also been observed to segregate with disease in related individuals. ClinVar contains an entry for this variant (Variation ID: 6280). Advanced modeling of protein sequence and biophysical properties (such as structural, functional, and spatial information, amino acid conservation, physicochemical variation, residue mobility, and thermodynamic stability) performed at Invitae indicates that this missense variant is expected to disrupt LRP5 protein function. For these reasons, this variant has been classified as Pathogenic.

OMIM
Classification: Pathogenic for HIGH BONE MASS. Last evaluated: 2002-05-16. Review status: no assertion criteria provided. Collection method: literature only. Allele origin: germline. Not counted in ClinVar's aggregate classification.

Literature cited by the submitters: PubMed 11741193 (cited by 3 submitters); PubMed 12015390 (cited by 3 submitters); PubMed 12579474 (cited by Genome Diagnostics Laboratory, The Hospital for Sick Children).